The following is an entry in ClinVar:

ClinVar aggregate classification (germline): Uncertain significance. Review status: criteria provided, multiple submitters, no conflicts (2 of 4 stars). 2 submissions from 2 submitters: Uncertain significance (2). Last evaluated 2025-12-17.

Conditions:
Inborn genetic diseases. Identifiers: MedGen C0950123, MeSH D030342.

Allele frequency attached by ClinVar (database versions not stated): gnomAD 0.00007 and 0.00008; ESP Exome Variant Server 0.00015.
gnomAD v4.1: 95 of 1,613,952 alleles (0.0059%); highest among the groups gnomAD compares: Middle Eastern, 0.049%; no homozygotes.

Submissions (2):

Labcorp Genetics (formerly Invitae), Labcorp
Classification: Uncertain significance. Last evaluated: 2025-12-17. Review status: criteria provided, single submitter. Criteria: Invitae Variant Classification Sherloc (09022015). Collection method: clinical testing. Allele origin: germline.
Comment: This sequence change replaces arginine, which is basic and polar, with glutamine, which is neutral and polar, at codon 857 of the DSG1 protein (p.Arg857Gln). This variant is present in population databases (rs200643856, gnomAD 0.009%). This variant has not been reported in the literature in individuals affected with DSG1-related conditions. ClinVar contains an entry for this variant (Variation ID: 1437500). An algorithm developed to predict the effect of missense changes on protein structure and function (PolyPhen-2) suggests that this variant is likely to be tolerated. In summary, the available evidence is currently insufficient to determine the role of this variant in disease. Therefore, it has been classified as a Variant of Uncertain Significance.

Ambry Genetics
Classification: Uncertain significance for Inborn genetic diseases. Last evaluated: 2024-02-06. Review status: criteria provided, single submitter. Criteria: Ambry Variant Classification Scheme 2023. Collection method: clinical testing. Allele origin: germline.

NM_001942.4(DSG1):c.2570G>A (p.Arg857Gln)

Genes: DSG1 (desmoglein 1; plus strand), DSG1-AS1 (DSG1 antisense RNA 1; minus strand), LOC126862720 (MED14-independent group 3 enhancer GRCh37_chr18:28933613-28934812; plus strand). Cytogenetic location: 18q12.1.
Variant type: single nucleotide variant.
Coding change: c.2570G>A on transcript NM_001942.4 (MANE Select); coding-DNA position 2570, G replaced by A.
Protein change: p.Arg857Gln; replaces arginine 857 with glutamine.
Molecular consequence: missense variant.
Genome position (GRCh38, 1-based): chr18:31,354,766, G>A. VCF-style: chr18-31354766-G-A. GRCh37 (hg19) VCF-style: chr18-28934729-G-A.
Other names: c.2570G>A (NM_001942.2); short protein forms R857Q.
Identifiers: ClinVar variation 1437500 (VCV001437500.7), dbSNP rs200643856, ClinGen allele CA8926393.